The following is an entry in ClinVar:

NM_000540.3(RYR1):c.3493G>A (p.Gly1165Ser)

Gene: RYR1 (ryanodine receptor 1; plus strand). Cytogenetic location: 19q13.2.
Variant type: single nucleotide variant.
Coding change: c.3493G>A on transcript NM_000540.3 (MANE Select); coding-DNA position 3493, G replaced by A.
Protein change: p.Gly1165Ser; replaces glycine 1165 with serine.
Molecular consequence: missense variant.
Genome position (GRCh38, 1-based): chr19:38,469,077, G>A. VCF-style: chr19-38469077-G-A. GRCh37 (hg19) VCF-style: chr19-38959717-G-A.
Other names: c.3493G>A, p.Gly1165Ser (NM_001042723.2); short protein forms G1165S.
Identifiers: ClinVar variation 3074026 (VCV003074026.1), dbSNP rs2514113931, ClinGen allele CA405638671.
Genomic context (GRCh38, chr19:38,469,077, plus strand): 5'-GGCGATGTCGTTGGCTGTATGATCGACCTCACAGAGAACACCATTATCTTCACCCTCAAT[G>A]GCGAGGTCCTCATGTCTGACTCAGGCTCCGAAACAGCCTTCCGGGAGATTGAGATTGGGG-3'
Protein context (NP_000531.2, residues 1155-1175): TENTIIFTLN[Gly1165Ser]EVLMSDSGSE

ClinVar aggregate classification (germline): Uncertain significance (1 of 4 stars; one submission).

Conditions:
Malignant hyperthermia, susceptibility to, 1 (MHS1). Also called: Anesthesia related hyperthermia; Malignant hyperpyrexia; Fulminating hyperpyrexia; Pharmacogenic myopathy; RYR1-Related Malignant Hyperthermia Susceptibility; Malignant hyperthermia suceptibility 1. Identifiers: Orphanet 423, MedGen C2930980, MONDO:0007783, OMIM 145600.

Submission:

All of Us Research Program, National Institutes of Health
Classification: Uncertain significance for Malignant hyperthermia, susceptibility to, 1. Last evaluated: 2023-12-01. Review status: criteria provided, single submitter. Criteria: ACMG Guidelines, 2015. Collection method: clinical testing. Allele origin: germline. Inheritance: Autosomal dominant inheritance. Observed: 1 variant allele, 1 heterozygote.
Comment: This study involves interpretation of variants in research participants for the purpose of population health screening. Participant phenotype was not available at the time of variant classification. Additional details can be found in publication PMID: 35346344, PMCID: PMC8962531